The following is an entry in ClinVar:

ClinVar aggregate classification (germline): Uncertain significance. Review status: criteria provided, multiple submitters, no conflicts (2 of 4 stars). 2 submissions from 2 submitters: Uncertain significance (2). Last evaluated 2026-01-19.

Conditions:
Alpha thalassemia-X-linked intellectual disability syndrome (ATRX). Also called: ALPHA-THALASSEMIA/MENTAL RETARDATION SYNDROME, X-LINKED; X-linked alpha-thalassemia-mental retardation syndrome; ATR-X syndrome; Alpha thalassemia mental retardation syndrome, nondeletion type, X-linked; XLMR hypotonic face syndrome; ATR, NONDELETION TYPE. Identifiers: Orphanet 847, MedGen C1845055, MONDO:0010519, OMIM 301040.

Submissions (2):

Labcorp Genetics (formerly Invitae), Labcorp
Classification: Uncertain significance for Alpha thalassemia-X-linked intellectual disability syndrome. Last evaluated: 2026-01-19. Review status: criteria provided, single submitter. Criteria: Invitae Variant Classification Sherloc (09022015). Collection method: clinical testing. Allele origin: germline.
Comment: This sequence change replaces glutamic acid, which is acidic and polar, with glycine, which is neutral and non-polar, at codon 328 of the ATRX protein (p.Glu328Gly). This variant is not present in population databases (gnomAD no frequency). This variant has not been reported in the literature in individuals affected with ATRX-related conditions. ClinVar contains an entry for this variant (Variation ID: 434470). Invitae Evidence Modeling of protein sequence and biophysical properties (such as structural, functional, and spatial information, amino acid conservation, physicochemical variation, residue mobility, and thermodynamic stability) indicates that this missense variant is not expected to disrupt ATRX protein function with a negative predictive value of 95%. In summary, the available evidence is currently insufficient to determine the role of this variant in disease. Therefore, it has been classified as a Variant of Uncertain Significance.

Genetic Services Laboratory, University of Chicago
Classification: Uncertain significance. Last evaluated: 2016-09-24. Review status: criteria provided, single submitter. Criteria: ACMG Guidelines, 2015. Collection method: clinical testing. Allele origin: germline. Affected: no.

NM_000489.6(ATRX):c.983A>G (p.Glu328Gly)

Gene: ATRX (ATRX chromatin remodeler; minus strand). Cytogenetic location: Xq21.1.
Variant type: single nucleotide variant.
Coding change: c.983A>G on transcript NM_000489.6 (MANE Select); coding-DNA position 983, A replaced by G.
Protein change: p.Glu328Gly; replaces glutamic acid 328 with glycine.
Molecular consequence: missense variant.
Genome position (GRCh38, 1-based): chrX:77,684,273, T>C on the plus strand (A>G on the coding strand, the complement: ATRX is on the minus strand). VCF-style: chrX-77684273-T-C. GRCh37 (hg19) VCF-style: chrX-76939765-T-C.
Other names: c.869A>G, p.Glu290Gly (NM_138270.5); short protein forms E328G, E290G.
Identifiers: ClinVar variation 434470 (VCV000434470.14), dbSNP rs1557142526, ClinGen allele CA413719994.